The following is an entry in ClinVar:

ClinVar aggregate classification (germline): Likely benign. Review status: criteria provided, multiple submitters, no conflicts (2 of 4 stars). 2 submissions from 2 submitters: Likely benign (2). Last evaluated 2024-04-16.

Conditions:
Familial thoracic aortic aneurysm and aortic dissection (TAAD). Also called: Thoracic aortic aneurysms and dissections. Identifiers: Orphanet 91387, MedGen C4707243, MONDO:0019625.
Marfan syndrome (MFS). Also called: Marfan's syndrome; Marfan syndrome, classic; MARFAN SYNDROME, TYPE I; Marfan syndrome type 1; FBN1-Related Marfan Syndrome. Identifiers: Orphanet 284963, Orphanet 558, MedGen C0024796, MONDO:0007947, OMIM 154700.

Allele frequency attached by ClinVar (database versions not stated): gnomAD exomes below 0.00001; gnomAD 0.00001.
gnomAD v4.1: 3 of 1,613,950 alleles (0.00019%); highest among the groups gnomAD compares: African/African-American, 0.004%; no homozygotes.

Submissions (2):

All of Us Research Program, National Institutes of Health
Classification: Likely benign for Marfan syndrome. Last evaluated: 2024-04-16. Review status: criteria provided, single submitter. Criteria: ACMG Guidelines, 2015. Collection method: clinical testing. Allele origin: germline. Inheritance: Autosomal dominant inheritance. Observed: 1 variant allele, 1 heterozygote.
Comment: This study involves interpretation of variants in research participants for the purpose of population health screening. Participant phenotype was not available at the time of variant classification. Additional details can be found in publication PMID: 35346344, PMCID: PMC8962531

Ambry Genetics
Classification: Likely benign for Familial thoracic aortic aneurysm and aortic dissection. Last evaluated: 2022-05-24. Review status: criteria provided, single submitter. Criteria: Ambry Variant Classification Scheme 2023. Collection method: clinical testing. Allele origin: germline.

NM_000138.5(FBN1):c.2271T>C (p.Asp757=)

Gene: FBN1 (fibrillin 1; minus strand). Cytogenetic location: 15q21.1.
Variant type: single nucleotide variant.
Coding change: c.2271T>C on transcript NM_000138.5 (MANE Select); coding-DNA position 2271, T replaced by C.
Protein change: p.Asp757=; no amino-acid change (aspartic acid 757 retained).
Molecular consequence: synonymous variant.
Genome position (GRCh38, 1-based): chr15:48,497,288, A>G on the plus strand (T>C on the coding strand, the complement: FBN1 is on the minus strand). VCF-style: chr15-48497288-A-G. GRCh37 (hg19) VCF-style: chr15-48789485-A-G.
Other names: c.2271T>C, p.Asp757= (NM_001406716.1).
Identifiers: ClinVar variation 1788800 (VCV001788800.3), dbSNP rs1356417685, ClinGen allele CA490023598.